The following is an entry in ClinVar:

NM_022765.4(MICAL1):c.2237A>G (p.Tyr746Cys)

Gene: MICAL1 (microtubule associated monooxygenase, calponin and LIM domain containing 1; minus strand). Cytogenetic location: 6q21.
Variant type: single nucleotide variant.
Coding change: c.2237A>G on transcript NM_022765.4 (MANE Select); coding-DNA position 2237, A replaced by G.
Protein change: p.Tyr746Cys; replaces tyrosine 746 with cysteine.
Molecular consequence: missense variant.
Genome position (GRCh38, 1-based): chr6:109,446,763, T>C on the plus strand (A>G on the coding strand, the complement: MICAL1 is on the minus strand). VCF-style: chr6-109446763-T-C. GRCh37 (hg19) VCF-style: chr6-109767966-T-C.
Other names: c.1979A>G, p.Tyr660Cys (NM_001159291.2); c.2294A>G, p.Tyr765Cys (NM_001286613.2); c.2237A>G (NM_022765.3); short protein forms Y660C, Y746C, Y765C.
Identifiers: ClinVar variation 1964104 (VCV001964104.7), dbSNP rs376266690, ClinGen allele CA3953002.

ClinVar aggregate classification (germline): Uncertain significance. Review status: criteria provided, multiple submitters, no conflicts (2 of 4 stars). 2 submissions from 2 submitters: Uncertain significance (2). Last evaluated 2025-05-02.

Allele frequency attached by ClinVar (database versions not stated): gnomAD 0.00004; gnomAD exomes below 0.00001; TOPMed 0.00005; ESP Exome Variant Server 0.00015; ExAC 0.00002.
gnomAD v4.1: 7 of 1,613,278 alleles (0.00043%); highest among the groups gnomAD compares: African/African-American, 0.0094%; no homozygotes.

Submissions (2):

Labcorp Genetics (formerly Invitae), Labcorp
Classification: Uncertain significance. Last evaluated: 2025-05-02. Review status: criteria provided, single submitter. Criteria: Invitae Variant Classification Sherloc (09022015). Collection method: clinical testing. Allele origin: germline.
Comment: This sequence change replaces tyrosine, which is neutral and polar, with cysteine, which is neutral and slightly polar, at codon 765 of the MICAL1 protein (p.Tyr765Cys). This variant is present in population databases (rs376266690, gnomAD 0.02%). This variant has not been reported in the literature in individuals affected with MICAL1-related conditions. ClinVar contains an entry for this variant (Variation ID: 1964104). An algorithm developed to predict the effect of missense changes on protein structure and function (PolyPhen-2) suggests that this variant is likely to be disruptive. In summary, the available evidence is currently insufficient to determine the role of this variant in disease. Therefore, it has been classified as a Variant of Uncertain Significance.

Ambry Genetics
Classification: Uncertain significance. Last evaluated: 2023-06-21. Review status: criteria provided, single submitter. Criteria: Ambry Variant Classification Scheme 2023. Collection method: clinical testing. Allele origin: germline.